The following is an entry in ClinVar:

NM_000732.6(CD3D):c.235_237del (p.Tyr79del)

Gene: CD3D (CD3 delta subunit of T-cell receptor complex; minus strand). Cytogenetic location: 11q23.3.
Variant type: Deletion.
Coding change: c.235_237del on transcript NM_000732.6 (MANE Select); coding-DNA positions 235 to 237, 3 bases deleted (TAC; older notation c.235_237delTAC).
Protein change: p.Tyr79del; deletes tyrosine 79.
Molecular consequence: inframe deletion.
Genome position (GRCh38, 1-based): chr11:118,340,412-118,340,414, GTA deleted on the plus strand (TAC on the coding strand, the reverse complement: CD3D is on the minus strand). VCF-style (leftmost placement, unchanged base first): chr11-118340411-TGTA-T. GRCh37 (hg19) VCF-style: chr11-118211126-TGTA-T.
Other names: c.235_237del, p.Tyr79del (NM_001040651.2); short protein forms Y79del.
Identifiers: ClinVar variation 1430925 (VCV001430925.4), dbSNP rs763077739, ClinGen allele CA6301966.

ClinVar aggregate classification (germline): Uncertain significance (1 of 4 stars; one submission).

Conditions:
Immunodeficiency 19 (IMD19). Also called: IMMUNODEFICIENCY 19, SEVERE COMBINED; CD3-DELTA DEFICIENCY; SEVERE COMBINED IMMUNODEFICIENCY, T CELL-NEGATIVE, B CELL-POSITIVE, NK CELL-POSITIVE; SCID, T CELL-NEGATIVE, B CELL-POSITIVE, NK CELL-POSITIVE. Identifiers: MedGen C3810147, MONDO:0014280, OMIM 615617.

Allele frequency attached by ClinVar (database versions not stated): gnomAD 0.00004; gnomAD exomes 0.00001; ExAC 0.00001; TOPMed 0.00002.

Submission:

Labcorp Genetics (formerly Invitae), Labcorp
Classification: Uncertain significance for Immunodeficiency 19. Last evaluated: 2024-05-21. Review status: criteria provided, single submitter. Criteria: Invitae Variant Classification Sherloc (09022015). Collection method: clinical testing. Allele origin: germline.
Comment: This variant, c.235_237del, results in the deletion of 1 amino acid(s) of the CD3D protein (p.Tyr79del), but otherwise preserves the integrity of the reading frame. This variant is present in population databases (rs763077739, gnomAD 0.004%). This variant has not been reported in the literature in individuals affected with CD3D-related conditions. ClinVar contains an entry for this variant (Variation ID: 1430925). Experimental studies and prediction algorithms are not available or were not evaluated, and the functional significance of this variant is currently unknown. In summary, the available evidence is currently insufficient to determine the role of this variant in disease. Therefore, it has been classified as a Variant of Uncertain Significance.